The following is an entry in ClinVar:

NM_170606.3(KMT2C):c.10495C>T (p.Gln3499Ter)

Gene: KMT2C (lysine methyltransferase 2C; minus strand). Cytogenetic location: 7q36.1.
Variant type: single nucleotide variant.
Coding change: c.10495C>T on transcript NM_170606.3 (MANE Select); coding-DNA position 10495, C replaced by T.
Protein change: p.Gln3499Ter; replaces glutamine 3499 with a stop codon.
Molecular consequence: nonsense.
Genome position (GRCh38, 1-based): chr7:152,163,082, G>A on the plus strand (C>T on the coding strand, the complement: KMT2C is on the minus strand). VCF-style: chr7-152163082-G-A. GRCh37 (hg19) VCF-style: chr7-151860167-G-A.
Other names: short protein forms Q3499*.
Identifiers: ClinVar variation 4813702 (VCV004813702.1).

ClinVar aggregate classification (germline): Likely pathogenic (1 of 4 stars; one submission).

Conditions:
Kleefstra syndrome 2 (KLEFS2). Identifiers: MedGen C4540395, MONDO:0054701, OMIM 617768.

Submission:

Variantyx, Inc.
Classification: Likely pathogenic for Kleefstra syndrome 2. Last evaluated: 2025-09-02. Review status: criteria provided, single submitter. Criteria: Variantyx Assertion Criteria 2022. Collection method: clinical testing. Allele origin: germline. Inheritance: Autosomal recessive inheritance. Affected: yes.
Comment: This is a nonsense variant in the KMT2C gene (OMIM: 606833). Pathogenic variants in this gene have been associated with autosomal dominant Kleefstra syndrome 2. This variant introduces a premature termination codon in exon 43 out of 59 and is expected to result in loss of function, which is a known disease mechanism for KMT2C in this disorder (PMID: 29069077) (PVS1). This variant is absent from control populations (PM2) and has not been reported in individuals with KMT2C-related disorders in the databases available for review. Based on the current evidence, this variant is classified as likely pathogenic for autosomal dominant Kleefstra syndrome 2.

Literature cited by the submitters: PubMed 29069077.